The following is an entry in ClinVar:

ClinVar aggregate classification (germline): Uncertain significance. Review status: criteria provided, multiple submitters, no conflicts (2 of 4 stars). 2 submissions from 2 submitters: Uncertain significance (2). Last evaluated 2022-05-20.

Conditions:
MHC class I deficiency. Identifiers: Orphanet 34592, MedGen C6024714, MONDO:0011476.

gnomAD v4.1: 8 of 1,612,754 alleles (0.0005%); highest among the groups gnomAD compares: Non-Finnish European, 0.00068%; no homozygotes.

Submissions (2):

Blueprint Genetics
Classification: Uncertain significance. Last evaluated: 2022-05-20. Review status: criteria provided, single submitter. Criteria: ACMG Guidelines, 2015. Collection method: clinical testing. Allele origin: germline.

Labcorp Genetics (formerly Invitae), Labcorp
Classification: Uncertain significance for MHC class I deficiency 1. Last evaluated: 2019-12-21. Review status: criteria provided, single submitter. Criteria: Invitae Variant Classification Sherloc (09022015). Collection method: clinical testing. Allele origin: germline.
Comment: This sequence change replaces arginine with glycine at codon 379 of the TAPBP protein (p.Arg379Gly). The arginine residue is moderately conserved and there is a moderate physicochemical difference between arginine and glycine. This variant is present in population databases (rs145933787, ExAC 0.005%). In summary, the available evidence is currently insufficient to determine the role of this variant in disease. Therefore, it has been classified as a Variant of Uncertain Significance. Algorithms developed to predict the effect of missense changes on protein structure and function are either unavailable or do not agree on the potential impact of this missense change (SIFT: "Tolerated"; PolyPhen-2: "Possibly Damaging"; Align-GVGD: "Class C0"). This variant has not been reported in the literature in individuals with TAPBP-related conditions.

NM_003190.5(TAPBP):c.1135C>G (p.Arg379Gly)

Gene: TAPBP (TAP binding protein; minus strand). Cytogenetic location: 6p21.32.
Variant type: single nucleotide variant.
Coding change: c.1135C>G on transcript NM_003190.5 (MANE Select); coding-DNA position 1135, C replaced by G.
Protein change: p.Arg379Gly; replaces arginine 379 with glycine.
Molecular consequence: missense variant.
Genome position (GRCh38, 1-based): chr6:33,304,372, G>C on the plus strand (C>G on the coding strand, the complement: TAPBP is on the minus strand). VCF-style: chr6-33304372-G-C. GRCh37 (hg19) VCF-style: chr6-33272149-G-C.
Other names: c.1135C>G, p.Arg379Gly (NM_172208.3); c.874C>G, p.Arg292Gly (NM_172209.3); short protein forms R379G, R292G.
Identifiers: ClinVar variation 856530 (VCV000856530.11), dbSNP rs145933787, ClinGen allele CA3755716.